The following is an entry in ClinVar:

ClinVar aggregate classification (germline): Likely benign. Review status: criteria provided, multiple submitters, no conflicts (2 of 4 stars). 3 submissions from 3 submitters: Likely benign (2). 1 of the submissions does not count toward it. Last evaluated 2025-05-01.

Conditions:
ZNF462-related disorder. Also called: ZNF462-related condition; ZNF462 related disease.

Allele frequency attached by ClinVar (database versions not stated): gnomAD exomes 0.00007; ExAC 0.00022; 1000 Genomes Project 30x 0.00062; 1000 Genomes Project 0.00080; gnomAD 0.00085; TOPMed 0.00105; ESP Exome Variant Server 0.00123.
gnomAD v4.1: 252 of 1,614,186 alleles (0.016%); highest among the groups gnomAD compares: African/African-American, 0.28%; no homozygotes.

Submissions (3):

CeGaT Center for Human Genetics Tuebingen
Classification: Likely benign. Last evaluated: 2025-05-01. Review status: criteria provided, single submitter. Criteria: CeGaT Center For Human Genetics Tuebingen Variant Classification Criteria Version 2. Collection method: clinical testing. Allele origin: germline. Affected: yes. Observed: 1 variant allele.
Comment: ZNF462: BP4, BP7, BS1

Blueprint Genetics
Classification: Likely benign. Last evaluated: 2023-01-19. Review status: criteria provided, single submitter. Criteria: ACMG Guidelines, 2015. Collection method: clinical testing. Allele origin: germline.

PreventionGenetics, part of Exact Sciences
Classification: Likely benign for ZNF462-related condition. Last evaluated: 2019-06-18. Review status: no assertion criteria provided. Collection method: clinical testing. Allele origin: germline. Not counted in ClinVar's aggregate classification.
Comment: This variant is classified as likely benign based on ACMG/AMP sequence variant interpretation guidelines (Richards et al. 2015 PMID: 25741868, with internal and published modifications).

NM_021224.6(ZNF462):c.3072C>T (p.Val1024=)

Gene: ZNF462 (zinc finger protein 462; plus strand). Cytogenetic location: 9q31.2.
Variant type: single nucleotide variant.
Coding change: c.3072C>T on transcript NM_021224.6 (MANE Select); coding-DNA position 3072, C replaced by T.
Protein change: p.Val1024=; no amino-acid change (valine 1024 retained).
Molecular consequence: synonymous variant.
Genome position (GRCh38, 1-based): chr9:106,926,984, C>T. VCF-style: chr9-106926984-C-T. GRCh37 (hg19) VCF-style: chr9-109689265-C-T.
Other names: c.3072C>T, p.Val1024= (NM_001347997.2).
Identifiers: ClinVar variation 3034094 (VCV003034094.13), dbSNP rs150005051, ClinGen allele CA5171589.
Genomic context (GRCh38, chr9:106,926,984, plus strand): 5'-CAACAAAAACACTCCTAAGACCTTTACTCCTGAATGTGAAAATCAGAAGGACCCTTTGGT[C>T]AACACTGTTGTTGTTTATGATTGTGATGTTTGTTCGTTTGCAAGCCCCAACATGCATTCT-3'
Protein context (NP_067047.4, residues 1014-1034): PECENQKDPL[Val1024=]NTVVVYDCDV